The following is an entry in ClinVar:

NM_001256789.3(CACNA1F):c.4490T>G (p.Leu1497Arg)

Genes: CACNA1F (calcium voltage-gated channel subunit alpha1 F; minus strand), LOC126863257 (BRD4-independent group 4 enhancer GRCh37_chrX:49065732-49066931; plus strand). Cytogenetic location: Xp11.23.
Variant type: single nucleotide variant.
Coding change: c.4490T>G on transcript NM_001256789.3 (MANE Select); coding-DNA position 4490, T replaced by G.
Protein change: p.Leu1497Arg; replaces leucine 1497 with arginine.
Molecular consequence: missense variant.
Genome position (GRCh38, 1-based): chrX:49,210,399, A>C on the plus strand (T>G on the coding strand, the complement: CACNA1F is on the minus strand). VCF-style: chrX-49210399-A-C. GRCh37 (hg19) VCF-style: chrX-49066859-A-C.
Other names: c.4328T>G, p.Leu1443Arg (NM_001256790.3); c.4523T>G, p.Leu1508Arg (NM_005183.4); short protein forms L1443R, L1497R, L1508R.
Identifiers: ClinVar variation 3342006 (VCV003342006.16).
Genomic context (GRCh38, chrX:49,210,399, plus strand): 5'-AAGAGTGTGGCGTTGAATGTCACCGTCCCATCTGAGTTGAGGGGCATGTTCATTGCCACA[A>C]GTCTCTGCAAACACGAGAGACATGAAACCCACTCTGGGAAAATGCCGGGTATGCAGGAAC-3'
Protein context (NP_001243718.1, residues 1487-1507): LCPHRVACKR[Leu1497Arg]VAMNMPLNSD

ClinVar aggregate classification (germline): Uncertain significance (1 of 4 stars; one submission).

Submission:

CeGaT Center for Human Genetics Tuebingen
Classification: Uncertain significance. Last evaluated: 2024-07-01. Review status: criteria provided, single submitter. Criteria: CeGaT Center For Human Genetics Tuebingen Variant Classification Criteria Version 2. Collection method: clinical testing. Allele origin: germline. Affected: yes. Observed: 1 variant allele.
Comment: CACNA1F: PM2, PM5, PP3